The following is an entry in ClinVar:

NM_134444.5(NLRP4):c.1857-68G>A

Gene: NLRP4 (NLR family pyrin domain containing 4; plus strand). Cytogenetic location: 19q13.43.
Variant type: single nucleotide variant.
Coding change: c.1857-68G>A on transcript NM_134444.5 (MANE Select); 68 bases into the intron before coding-DNA position 1857, G replaced by A.
Molecular consequence: intron variant.
Genome position (GRCh38, 1-based): chr19:55,861,318, G>A. VCF-style: chr19-55861318-G-A. GRCh37 (hg19) VCF-style: chr19-56372684-G-A.
Identifiers: ClinVar variation 103219 (VCV000103219.2), dbSNP rs199475748, ClinGen allele CA230273.

ClinVar aggregate classification (germline): not provided (0 of 4 stars; one submission).

Allele frequency attached by ClinVar (database versions not stated): gnomAD 0.00002; TOPMed 0.00005.
gnomAD v4.1: 31 of 1,333,682 alleles (0.0023%); highest among the groups gnomAD compares: Admixed American, 0.025%; no homozygotes.

Submission:

Human Evolutionary Genetics, Institut Pasteur
No classification provided. Review status: no classification provided. Collection method: not provided. Allele origin: germline.
ClinVar note: Converted during submission from untested to not provided.